The following is an entry in ClinVar:

NM_153252.5(BRWD3):c.4233+5G>A

Gene: BRWD3 (bromodomain and WD repeat domain containing 3; minus strand). Cytogenetic location: Xq21.1.
Variant type: single nucleotide variant.
Coding change: c.4233+5G>A on transcript NM_153252.5 (MANE Select); 5 bases into the intron after coding-DNA position 4233, G replaced by A.
Molecular consequence: intron variant.
Genome position (GRCh38, 1-based): chrX:80,684,005, C>T on the plus strand (G>A on the coding strand, the complement: BRWD3 is on the minus strand). VCF-style: chrX-80684005-C-T. GRCh37 (hg19) VCF-style: chrX-79939504-C-T.
Other names: c.4083+5G>A (NM_001441339.1).
Identifiers: ClinVar variation 4884727 (VCV004884727.1).

ClinVar aggregate classification (germline): Uncertain significance (1 of 4 stars; one submission).

Conditions:
Intellectual developmental disorder, X-linked 93. Also called: MENTAL RETARDATION, X-LINKED, WITH MACROCEPHALY; Intellectual disability, X-linked 93. Identifiers: MedGen C1970841, MONDO:0010393, OMIM 300659.

Submission:

Institute of Human Genetics, University of Goettingen
Classification: Uncertain significance for Intellectual developmental disorder, X-linked 93. Last evaluated: 2026-07-30. Review status: criteria provided, single submitter. Criteria: ACMG Guidelines, 2015. Collection method: clinical testing. Allele origin: germline. Affected: yes. Observed: 1 variant allele, 1 heterozygote.
Comment: The NM_153252.5(BRWD3):c.4233+5G>A variant causes a splice region, intron change involving the alteration of a non-conserved nucleotide. The variant is absent from the gnomAD population database at sites with sufficient sequencing coverage. In-silico predictor (BayesDel (noAF)) classifies this variant as likely benign. No clinical diagnostic laboratories have submitted clinical-significance assessments for this variant to ClinVar. ACMG criteria used for classification: PM2_sup, PP3_mod